The following is an entry in ClinVar:

ClinVar aggregate classification (germline): Uncertain significance (1 of 4 stars; one submission).

Conditions:
Inborn genetic diseases. Identifiers: MedGen C0950123, MeSH D030342.

Submission:

Ambry Genetics
Classification: Uncertain significance for Inborn genetic diseases. Last evaluated: 2024-08-04. Review status: criteria provided, single submitter. Criteria: Ambry Variant Classification Scheme 2023. Collection method: clinical testing. Allele origin: germline.
Comment: The p.G106R variant (also known as c.316G>C), located in coding exon 3 of the LRRK2 gene, results from a G to C substitution at nucleotide position 316. The glycine at codon 106 is replaced by arginine, an amino acid with dissimilar properties. This amino acid position is conserved. In addition, the in silico prediction for this alteration is inconclusive. Based on the available evidence, the clinical significance of this variant remains unclear.

NM_198578.4(LRRK2):c.316G>C (p.Gly106Arg)

Gene: LRRK2 (leucine rich repeat kinase 2; plus strand). Cytogenetic location: 12q12.
Variant type: single nucleotide variant.
Coding change: c.316G>C on transcript NM_198578.4 (MANE Select); coding-DNA position 316, G replaced by C.
Protein change: p.Gly106Arg; replaces glycine 106 with arginine.
Molecular consequence: missense variant.
Genome position (GRCh38, 1-based): chr12:40,232,352, G>C. VCF-style: chr12-40232352-G-C. GRCh37 (hg19) VCF-style: chr12-40626154-G-C.
Other names: short protein forms G106R.
Identifiers: ClinVar variation 3540606 (VCV003540606.1).